The following is an entry in ClinVar:

ClinVar aggregate classification (germline): Uncertain significance (1 of 4 stars; one submission).

Submission:

Labcorp Genetics (formerly Invitae), Labcorp
Classification: Uncertain significance. Last evaluated: 2025-01-02. Review status: criteria provided, single submitter. Criteria: Invitae Variant Classification Sherloc (09022015). Collection method: clinical testing. Allele origin: germline.
Comment: This sequence change replaces tyrosine, which is neutral and polar, with histidine, which is basic and polar, at codon 747 of the KSR2 protein (p.Tyr747His). This variant is not present in population databases (gnomAD no frequency). This variant has not been reported in the literature in individuals affected with KSR2-related conditions. An algorithm developed to predict the effect of missense changes on protein structure and function (PolyPhen-2) suggests that this variant is likely to be disruptive. In summary, the available evidence is currently insufficient to determine the role of this variant in disease. Therefore, it has been classified as a Variant of Uncertain Significance.

NM_173598.6(KSR2):c.2326T>C (p.Tyr776His)

Gene: KSR2 (kinase suppressor of ras 2; minus strand). Cytogenetic location: 12q24.22.
Variant type: single nucleotide variant.
Coding change: c.2326T>C on transcript NM_173598.6 (MANE Select); coding-DNA position 2326, T replaced by C.
Protein change: p.Tyr776His; replaces tyrosine 776 with histidine.
Molecular consequence: missense variant.
Genome position (GRCh38, 1-based): chr12:117,484,540, A>G on the plus strand (T>C on the coding strand, the complement: KSR2 is on the minus strand). VCF-style: chr12-117484540-A-G. GRCh37 (hg19) VCF-style: chr12-117922345-A-G.
Other names: short protein forms Y776H.
Identifiers: ClinVar variation 3727865 (VCV003727865.2).
Genomic context (GRCh38, chr12:117,484,540, plus strand): 5'-TGTCATAGAAGACGTTCTTTGACTTGAGGTCCTTGTGTAGGATTCCCTTGGCGTGGAGGT[A>G]GCCCATGCCCTGCAAGAAGCAAGGAACAGAGAGTTGCCAGAGAAAAACCTAAGAGCTTGC-3'
Protein context (NP_775869.4, residues 766-786): IAQEIVKGMG[Tyr776His]LHAKGILHKD